The following is an entry in ClinVar:

NM_207361.6(FREM2):c.*1624G>A

Gene: FREM2 (FRAS1 related extracellular matrix 2; plus strand). Cytogenetic location: 13q13.3.
Variant type: single nucleotide variant.
Coding change: c.*1624G>A on transcript NM_207361.6 (MANE Select); 1624 bases downstream of the stop codon, G replaced by A.
Molecular consequence: 3 prime UTR variant.
Genome position (GRCh38, 1-based): chr13:38,882,411, G>A. VCF-style: chr13-38882411-G-A. GRCh37 (hg19) VCF-style: chr13-39456548-G-A.
Identifiers: ClinVar variation 312056 (VCV000312056.6), dbSNP rs17443575, ClinGen allele CA10634305.
Genomic context (GRCh38, chr13:38,882,411, plus strand): 5'-CTGCAGAATTTTAAAAGGCAAACTTCTCAGAACAGATGTGCACATCTTAATTTGGTGTCT[G>A]TAAGTATCAACCATTTCTTGATCAAGATAAGGAAGCAACACTGATACTGAGAGAGAGGTC-3'

ClinVar aggregate classification (germline): Benign. Review status: criteria provided, multiple submitters, no conflicts (2 of 4 stars). 2 submissions from 2 submitters: Benign (2). Last evaluated 2018-01-13.

Conditions:
Fraser syndrome 2 (FRASRS2). Identifiers: MedGen C4540036, MONDO:0054738, OMIM 617666.

Allele frequency attached by ClinVar (database versions not stated): gnomAD 0.01664 and 0.01754; 1000 Genomes Project 0.01697; TOPMed 0.01771; 1000 Genomes Project 30x 0.01640.

Submissions (2):

Illumina Laboratory Services, Illumina
Classification: Benign for Fraser syndrome 2. Last evaluated: 2018-01-13. Review status: criteria provided, single submitter. Criteria: ICSL Variant Classification Criteria 13 December 2019. Collection method: clinical testing. Allele origin: germline.
Comment: This variant was observed in the ICSL laboratory as part of a predisposition screen in an ostensibly healthy population. It had not been previously curated by ICSL or reported in the Human Gene Mutation Database (HGMD: prior to June 1st, 2018), and was therefore a candidate for classification through an automated scoring system. Utilizing variant allele frequency, disease prevalence and penetrance estimates, and inheritance mode, an automated score was calculated to assess if this variant is too frequent to cause the disease. Based on the score and internal cut-off values, a variant classified as benign is not then subjected to further curation. The score for this variant resulted in a classification of benign for this disease.

Breakthrough Genomics
Classification: Benign. Review status: criteria provided, single submitter. Criteria: ACMG Guidelines, 2015. Collection method: not provided. Allele origin: germline. Inheritance: Autosomal recessive inheritance. Affected: yes.